The following is an entry in ClinVar:

NM_030777.4(SLC2A10):c.5-121dup

Gene: SLC2A10 (solute carrier family 2 member 10; plus strand). Cytogenetic location: 20q13.12.
Variant type: Duplication.
Coding change: c.5-121dup on transcript NM_030777.4 (MANE Select); 121 bases into the intron before coding-DNA position 5, one base duplicated (T; older notation c.5-121dupT).
Molecular consequence: intron variant.
Genome position (GRCh38, 1-based): chr20:46,724,920, T duplicated; the last of 2 consecutive T bases (chr20:46,724,919-46,724,920); duplicating either gives the same sequence. VCF-style (leftmost placement, unchanged base first): chr20-46724918-G-GT. GRCh37 (hg19) VCF-style: chr20-45353557-G-GT.
Identifiers: ClinVar variation 676785 (VCV000676785.1), dbSNP rs879560987, ClinGen allele CA315754944.
Genomic context (GRCh38, chr20:46,724,918, plus strand): 5'-TGGAGTGGATGGATGGACGGATGGATGGATGGATGGATGGATGGATGGTTTGAATGGATG[G>GT]TTGAATAGATGGAGTAGATGGATGGATAAATGAAGGTGTTGACAGATGGAGGGAAGGTTG-3'

ClinVar aggregate classification (germline): Likely benign (1 of 4 stars; one submission).

Submission:

GeneDx
Classification: Likely benign. Last evaluated: 2018-06-14. Review status: criteria provided, single submitter. Criteria: GeneDx Variant Classification (06012015). Collection method: clinical testing. Allele origin: germline. Affected: yes.
Comment: This variant is considered likely benign or benign based on one or more of the following criteria: it is a conservative change, it occurs at a poorly conserved position in the protein, it is predicted to be benign by multiple in silico algorithms, and/or has population frequency not consistent with disease.